The following is an entry in ClinVar:

NM_000553.6(WRN):c.1283A>G (p.Asn428Ser)

Gene: WRN (WRN RecQ like helicase; plus strand). Cytogenetic location: 8p12.
Variant type: single nucleotide variant.
Coding change: c.1283A>G on transcript NM_000553.6 (MANE Select); coding-DNA position 1283, A replaced by G.
Protein change: p.Asn428Ser; replaces asparagine 428 with serine.
Molecular consequence: missense variant.
Genome position (GRCh38, 1-based): chr8:31,083,712, A>G. VCF-style: chr8-31083712-A-G. GRCh37 (hg19) VCF-style: chr8-30941228-A-G.
Other names: short protein forms N428S.
Identifiers: ClinVar variation 1043137 (VCV001043137.5), dbSNP rs774668851, ClinGen allele CA4704302.

ClinVar aggregate classification (germline): Uncertain significance (1 of 4 stars; one submission).

Conditions:
Werner syndrome (WRN). Identifiers: Orphanet 902, MedGen C0043119, MONDO:0010196, OMIM 277700.

Allele frequency attached by ClinVar (database versions not stated): gnomAD exomes 0.00001; ExAC 0.00002.
gnomAD v4.1: 10 of 1,611,848 alleles (0.00062%); highest among the groups gnomAD compares: South Asian, 0.0044%; no homozygotes.

Submission:

Labcorp Genetics (formerly Invitae), Labcorp
Classification: Uncertain significance for Werner syndrome. Last evaluated: 2023-08-30. Review status: criteria provided, single submitter. Criteria: Invitae Variant Classification Sherloc (09022015). Collection method: clinical testing. Allele origin: germline.
Comment: In summary, the available evidence is currently insufficient to determine the role of this variant in disease. Therefore, it has been classified as a Variant of Uncertain Significance. Algorithms developed to predict the effect of missense changes on protein structure and function output the following: SIFT: "Not Available"; PolyPhen-2: "Benign"; Align-GVGD: "Not Available". The serine amino acid residue is found in multiple mammalian species, which suggests that this missense change does not adversely affect protein function. ClinVar contains an entry for this variant (Variation ID: 1043137). This variant has not been reported in the literature in individuals affected with WRN-related conditions. This variant is present in population databases (rs774668851, gnomAD 0.007%). This sequence change replaces asparagine, which is neutral and polar, with serine, which is neutral and polar, at codon 428 of the WRN protein (p.Asn428Ser).